The following is an entry in ClinVar:

ClinVar aggregate classification (germline): Uncertain significance (1 of 4 stars; one submission).

Conditions:
ALG1-congenital disorder of glycosylation. Also called: ALG1-CDG; CDG Ik; CONGENITAL DISORDER OF GLYCOSYLATION, TYPE Ik. Identifiers: Orphanet 79327, MedGen C2931005, MONDO:0012052, OMIM 608540.

Submission:

Labcorp Genetics (formerly Invitae), Labcorp
Classification: Uncertain significance for ALG1-congenital disorder of glycosylation. Last evaluated: 2022-06-13. Review status: criteria provided, single submitter. Criteria: Invitae Variant Classification Sherloc (09022015). Collection method: clinical testing. Allele origin: germline.
Comment: This sequence change falls in intron 6 of the ALG1 gene. It does not directly change the encoded amino acid sequence of the ALG1 protein. It affects a nucleotide within the consensus splice site. This variant is not present in population databases (gnomAD no frequency). This variant has not been reported in the literature in individuals affected with ALG1-related conditions. Variants that disrupt the consensus splice site are a relatively common cause of aberrant splicing (PMID: 17576681, 9536098). Algorithms developed to predict the effect of sequence changes on RNA splicing suggest that this variant is not likely to affect RNA splicing. In summary, the available evidence is currently insufficient to determine the role of this variant in disease. Therefore, it has been classified as a Variant of Uncertain Significance.

Literature cited by the submitters: PubMed 17576681; PubMed 9536098.

NM_019109.5(ALG1):c.740+6C>T

Gene: ALG1 (ALG1 chitobiosyldiphosphodolichol beta-mannosyltransferase; plus strand). Cytogenetic location: 16p13.3.
Variant type: single nucleotide variant.
Coding change: c.740+6C>T on transcript NM_019109.5 (MANE Select); 6 bases into the intron after coding-DNA position 740, C replaced by T.
Molecular consequence: intron variant.
Genome position (GRCh38, 1-based): chr16:5,078,023, C>T. VCF-style: chr16-5078023-C-T. GRCh37 (hg19) VCF-style: chr16-5128024-C-T.
Other names: c.407+6C>T (NM_001330504.2).
Identifiers: ClinVar variation 2005828 (VCV002005828.1), dbSNP rs2505860336, ClinGen allele CA2580091198.
Genomic context (GRCh38, chr16:5,078,023, plus strand): 5'-TGCAGCACCGGCTCTTCATGAAGCTGGGCAGCATGCACTCTCCGTTCAGGGCCCGGTAGG[C>T]CTCCCATCCTCAGCTGCCTTCTCTCCTGCTCGCCACTGCCCTGGCCTCTCCCCTTCTCAC-3'